The following is an entry in ClinVar:

NM_020778.5(ALPK3):c.69_80del (p.Glu24_Gly27del)

Gene: ALPK3 (alpha kinase 3; plus strand). Cytogenetic location: 15q25.3.
Variant type: Deletion.
Coding change: c.69_80del on transcript NM_020778.5 (MANE Select); coding-DNA positions 69 to 80, 12 bases deleted (TGAGGACGACGG).
Protein change: p.Glu24_Gly27del.
Molecular consequence: inframe deletion.
Genome position (GRCh38, 1-based): chr15:84,817,521-84,817,532, TGAGGACGACGG deleted; deleting any 12 consecutive bases within chr15:84,817,515-84,817,532 gives the same sequence; the c. name uses the placement nearest the transcript's 3' end. VCF-style (leftmost placement, unchanged base first): chr15-84817514-GCGACGGTGAGGA-G. GRCh37 (hg19) VCF-style: chr15-85360745-GCGACGGTGAGGA-G.
Other names: c.675_686del12 (NM_020778.4).
Identifiers: ClinVar variation 1376079 (VCV001376079.9), dbSNP rs1163387390, ClinGen allele CA619855155.

ClinVar aggregate classification (germline): Uncertain significance. Review status: criteria provided, multiple submitters, no conflicts (2 of 4 stars). 2 submissions from 2 submitters: Uncertain significance (2). Last evaluated 2026-06-18.

Conditions:
ALPK3-related disorder. Also called: ALPK3-related condition.

Submissions (2):

PreventionGenetics, part of Exact Sciences
Classification: Uncertain significance for ALPK3-related condition. Last evaluated: 2026-06-18. Review status: criteria provided, single submitter. Criteria: ACMG Guidelines, 2015. Collection method: clinical testing. Allele origin: germline.
Comment: The ALPK3 c.675_686del12 variant is predicted to result in an in-frame deletion (p.Glu226_Gly229del). To our knowledge, this variant has not been reported in the literature. This variant is reported in 0.0048% of alleles in individuals of European (Non-Finnish) descent in gnomAD. At this time, the clinical significance of this variant is uncertain due to the absence of conclusive functional and genetic evidence.

Labcorp Genetics (formerly Invitae), Labcorp
Classification: Uncertain significance. Last evaluated: 2023-10-28. Review status: criteria provided, single submitter. Criteria: Invitae Variant Classification Sherloc (09022015). Collection method: clinical testing. Allele origin: germline.
Comment: This variant, c.675_686del, results in the deletion of 4 amino acid(s) of the ALPK3 protein (p.Glu226_Gly229del), but otherwise preserves the integrity of the reading frame. This variant is present in population databases (no rsID available, gnomAD 0.004%). This variant has not been reported in the literature in individuals affected with ALPK3-related conditions. ClinVar contains an entry for this variant (Variation ID: 1376079). Experimental studies and prediction algorithms are not available or were not evaluated, and the functional significance of this variant is currently unknown. In summary, the available evidence is currently insufficient to determine the role of this variant in disease. Therefore, it has been classified as a Variant of Uncertain Significance.